The following is an entry in ClinVar:

NM_001367561.1(DOCK7):c.376A>G (p.Ile126Val)

Gene: DOCK7 (dedicator of cytokinesis 7; minus strand). Cytogenetic location: 1p31.3.
Variant type: single nucleotide variant.
Coding change: c.376A>G on transcript NM_001367561.1 (MANE Select); coding-DNA position 376, A replaced by G.
Protein change: p.Ile126Val; replaces isoleucine 126 with valine.
Molecular consequence: missense variant.
Genome position (GRCh38, 1-based): chr1:62,653,738, T>C on the plus strand (A>G on the coding strand, the complement: DOCK7 is on the minus strand). VCF-style: chr1-62653738-T-C. GRCh37 (hg19) VCF-style: chr1-63119409-T-C.
Other names: c.376A>G, p.Ile126Val (NM_001271999.2, NM_001272000.2, NM_001272001.2 and 3 more transcripts); short protein forms I126V.
Identifiers: ClinVar variation 1055062 (VCV001055062.6), dbSNP rs769058695, ClinGen allele CA887202.

ClinVar aggregate classification (germline): Uncertain significance (1 of 4 stars; one submission).

Conditions:
Developmental and epileptic encephalopathy, 23 (DEE23). Also called: Epileptic encephalopathy, early infantile, 23. Identifiers: Orphanet 411986, MedGen C4014492, MONDO:0014371, OMIM 615859.

Allele frequency attached by ClinVar (database versions not stated): gnomAD 0.00001; TOPMed 0.00002; ExAC 0.00003; gnomAD exomes 0.00004 and 0.00005.
gnomAD v4.1: 64 of 1,580,164 alleles (0.0041%); highest among the groups gnomAD compares: Admixed American, 0.0084%; no homozygotes.

Submission:

Labcorp Genetics (formerly Invitae), Labcorp
Classification: Uncertain significance for Developmental and epileptic encephalopathy, 23. Last evaluated: 2022-07-19. Review status: criteria provided, single submitter. Criteria: Invitae Variant Classification Sherloc (09022015). Collection method: clinical testing. Allele origin: germline.
Comment: This sequence change replaces isoleucine, which is neutral and non-polar, with valine, which is neutral and non-polar, at codon 126 of the DOCK7 protein (p.Ile126Val). This variant is present in population databases (rs769058695, gnomAD 0.01%). This variant has not been reported in the literature in individuals affected with DOCK7-related conditions. ClinVar contains an entry for this variant (Variation ID: 1055062). Algorithms developed to predict the effect of missense changes on protein structure and function output the following: SIFT: "Tolerated"; PolyPhen-2: "Benign"; Align-GVGD: "Class C0". The valine amino acid residue is found in multiple mammalian species, which suggests that this missense change does not adversely affect protein function. In summary, the available evidence is currently insufficient to determine the role of this variant in disease. Therefore, it has been classified as a Variant of Uncertain Significance.